The following is an entry in ClinVar:

ClinVar aggregate classification (germline): Uncertain significance (0 of 4 stars; one submission).

Conditions:
NOTCH1-related disorder. Also called: NOTCH1-related condition; NOTCH1-related disorders.

Submission:

PreventionGenetics, part of Exact Sciences
Classification: Uncertain significance for NOTCH1-related condition. Last evaluated: 2023-12-07. Review status: no assertion criteria provided. Collection method: clinical testing. Allele origin: germline.
Comment: The NOTCH1 c.1063G>T variant is predicted to result in the amino acid substitution p.Ala355Ser. To our knowledge, this variant has not been reported in the literature or in a large population database, indicating this variant is rare. At this time, the clinical significance of this variant is uncertain due to the absence of conclusive functional and genetic evidence.

NM_017617.5(NOTCH1):c.1063G>T (p.Ala355Ser)

Gene: NOTCH1 (notch receptor 1; minus strand). Cytogenetic location: 9q34.3.
Variant type: single nucleotide variant.
Coding change: c.1063G>T on transcript NM_017617.5 (MANE Select); coding-DNA position 1063, G replaced by T.
Protein change: p.Ala355Ser; replaces alanine 355 with serine.
Molecular consequence: missense variant.
Genome position (GRCh38, 1-based): chr9:136,518,627, C>A on the plus strand (G>T on the coding strand, the complement: NOTCH1 is on the minus strand). VCF-style: chr9-136518627-C-A. GRCh37 (hg19) VCF-style: chr9-139413079-C-A.
Other names: short protein forms A355S.
Identifiers: ClinVar variation 3031248 (VCV003031248.2), dbSNP rs2540461962, ClinGen allele CA375565310.